The following is an entry in ClinVar:

NM_024642.5(GALNT12):c.123T>G (p.Arg41=)

Gene: GALNT12 (polypeptide N-acetylgalactosaminyltransferase 12; plus strand). Cytogenetic location: 9q22.33.
Variant type: single nucleotide variant.
Coding change: c.123T>G on transcript NM_024642.5 (MANE Select); coding-DNA position 123, T replaced by G.
Protein change: p.Arg41=; no amino-acid change (arginine 41 retained).
Molecular consequence: synonymous variant.
Genome position (GRCh38, 1-based): chr9:98,807,821, T>G. VCF-style: chr9-98807821-T-G. GRCh37 (hg19) VCF-style: chr9-101570103-T-G.
Identifiers: ClinVar variation 1758097 (VCV001758097.3), dbSNP rs1304658638, ClinGen allele CA466647372.

ClinVar aggregate classification (germline): Benign/Likely benign. Review status: criteria provided, multiple submitters, no conflicts (2 of 4 stars). 2 submissions from 2 submitters: Benign (1); Likely benign (1). Last evaluated 2026-04-22.

Conditions:
Colorectal cancer, susceptibility to, 1. Also called: COLORECTAL ADENOMA AND CANCER, SUSCEPTIBILITY TO; COLORECTAL CANCER, SUSCEPTIBILITY TO, ON CHROMOSOME 9. Identifiers: MedGen C1837315, MONDO:0012132, OMIM 608812.

Submissions (2):

Myriad Genetics, Inc.
Classification: Benign for Colorectal cancer, susceptibility to, 1. Last evaluated: 2026-04-22. Review status: criteria provided, single submitter. Criteria: Myriad Autosomal Dominant, Autosomal Recessive and X-Linked Classification Criteria (2023). Collection method: clinical testing. Allele origin: unknown.
Comment: This variant is considered benign. This variant is a silent/synonymous amino acid change and it is not expected to impact splicing.

Ambry Genetics
Classification: Likely benign. Last evaluated: 2021-02-03. Review status: criteria provided, single submitter. Criteria: Ambry Variant Classification Scheme 2023. Collection method: clinical testing. Allele origin: germline.